The following is an entry in ClinVar:

ClinVar aggregate classification (germline): Benign. Review status: criteria provided, multiple submitters, no conflicts (2 of 4 stars). 2 submissions from 2 submitters: Benign (2). Last evaluated 2018-06-16.

Allele frequency attached by ClinVar (database versions not stated): gnomAD exomes 0.00646 and 0.01166; ExAC 0.01403; gnomAD 0.03667 and 0.03933; 1000 Genomes Project 0.03874; TOPMed 0.04166; 1000 Genomes Project 30x 0.04247; ESP Exome Variant Server 0.04260.
gnomAD v4.1: 14,133 of 1,445,890 alleles (0.98%); highest among the groups gnomAD compares: African/African-American, 12%; 565 homozygotes.

Submissions (2):

GeneDx
Classification: Benign. Last evaluated: 2018-06-16. Review status: criteria provided, single submitter. Criteria: GeneDx Variant Classification (06012015). Collection method: clinical testing. Allele origin: germline. Affected: yes.
Comment: This variant is considered likely benign or benign based on one or more of the following criteria: it is a conservative change, it occurs at a poorly conserved position in the protein, it is predicted to be benign by multiple in silico algorithms, and/or has population frequency not consistent with disease.

Breakthrough Genomics
Classification: Benign. Review status: criteria provided, single submitter. Criteria: ACMG Guidelines, 2015. Collection method: not provided. Allele origin: germline. Inheritance: Autosomal recessive inheritance. Affected: yes.

NM_016035.5(COQ4):c.300-51G>A

Gene: COQ4 (coenzyme Q4; plus strand). Cytogenetic location: 9q34.11.
Variant type: single nucleotide variant.
Coding change: c.300-51G>A on transcript NM_016035.5 (MANE Select); 51 bases into the intron before coding-DNA position 300, G replaced by A.
Molecular consequence: intron variant.
Genome position (GRCh38, 1-based): chr9:128,325,728, G>A. VCF-style: chr9-128325728-G-A. GRCh37 (hg19) VCF-style: chr9-131088007-G-A.
Other names: c.203-51G>A (NM_001305942.2).
Identifiers: ClinVar variation 676112 (VCV000676112.2), dbSNP rs77448374, ClinGen allele CA5260494.